The following is an entry in ClinVar:

NM_002691.4(POLD1):c.1692G>T (p.Met564Ile)

Gene: POLD1 (DNA polymerase delta 1, catalytic subunit; plus strand). Cytogenetic location: 19q13.33.
Variant type: single nucleotide variant.
Coding change: c.1692G>T on transcript NM_002691.4 (MANE Select); coding-DNA position 1692, G replaced by T.
Protein change: p.Met564Ile; replaces methionine 564 with isoleucine.
Molecular consequence: missense variant. On other transcripts: non-coding transcript variant (1).
Genome position (GRCh38, 1-based): chr19:50,407,332, G>T. VCF-style: chr19-50407332-G-T. GRCh37 (hg19) VCF-style: chr19-50910589-G-T.
Other names: c.1692G>T, p.Met564Ile (NM_001256849.1, NM_001308632.1); short protein forms M564I.
Identifiers: ClinVar variation 2497355 (VCV002497355.2), dbSNP rs544143880, ClinGen allele CA9596234.

ClinVar aggregate classification (germline): Uncertain significance (1 of 4 stars; one submission).

Conditions:
Hereditary cancer-predisposing syndrome. Also called: Neoplastic Syndromes, Hereditary; Hereditary neoplastic syndrome; Tumor predisposition; Hereditary Cancer Syndrome. Identifiers: Orphanet 140162, MedGen C0027672, MeSH D009386, MONDO:0015356.

Allele frequency attached by ClinVar (database versions not stated): gnomAD 0.00001; ExAC 0.00004; 1000 Genomes Project 30x 0.00016; 1000 Genomes Project 0.00020.
gnomAD v4.1: 4 of 1,612,302 alleles (0.00025%); highest among the groups gnomAD compares: South Asian, 0.0044%; no homozygotes.

Submission:

Ambry Genetics
Classification: Uncertain significance for Hereditary cancer-predisposing syndrome. Last evaluated: 2022-11-23. Review status: criteria provided, single submitter. Criteria: Ambry Variant Classification Scheme 2023. Collection method: clinical testing. Allele origin: germline.
Comment: The p.M564I variant (also known as c.1692G>T), located in coding exon 13 of the POLD1 gene, results from a G to T substitution at nucleotide position 1692. The methionine at codon 564 is replaced by isoleucine, an amino acid with highly similar properties. This amino acid position is conserved. In addition, this alteration is predicted to be tolerated by in silico analysis. Since supporting evidence is limited at this time, the clinical significance of this alteration remains unclear.